The following is an entry in ClinVar:

NM_000368.5(TSC1):c.1465A>T (p.Ile489Phe)

Gene: TSC1 (TSC complex subunit 1; minus strand). Cytogenetic location: 9q34.13.
Variant type: single nucleotide variant.
Coding change: c.1465A>T on transcript NM_000368.5 (MANE Select); coding-DNA position 1465, A replaced by T.
Protein change: p.Ile489Phe; replaces isoleucine 489 with phenylalanine.
Molecular consequence: missense variant.
Genome position (GRCh38, 1-based): chr9:132,906,113, T>A on the plus strand (A>T on the coding strand, the complement: TSC1 is on the minus strand). VCF-style: chr9-132906113-T-A. GRCh37 (hg19) VCF-style: chr9-135781500-T-A.
Other names: c.1462A>T, p.Ile488Phe (NM_001162426.2); c.1312A>T, p.Ile438Phe (NM_001162427.2); c.1102A>T, p.Ile368Phe (NM_001362177.2); short protein forms I489F, I488F, I368F, I438F.
Identifiers: ClinVar variation 576077 (VCV000576077.13), dbSNP rs1564482602, ClinGen allele CA375365515.
Genomic context (GRCh38, chr9:132,906,113, plus strand): 5'-GGTAAAAGGGAGAGTCAAAGCCTCCTCGAGGAACCACAGGCTCTGCCTCTGCTGTGGTGA[T>A]CTCAGAAAGTTCTCTAGATATTGCAGCTGAGAGGAAGAGAGGAAACAAAAGAAATGGCAG-3'
Protein context (NP_000359.1, residues 479-499): EAAISRELSE[Ile489Phe]TTAEAEPVVP

ClinVar aggregate classification (germline): Uncertain significance. Review status: criteria provided, multiple submitters, no conflicts (2 of 4 stars). 3 submissions from 3 submitters: Uncertain significance (3). Last evaluated 2025-05-27.

Conditions:
Isolated focal cortical dysplasia type II (FCORD2). Also called: Focal cortical dysplasia type II; CORTICAL DYSPLASIA OF TAYLOR. Identifiers: Orphanet 268994, MedGen C1846385, MONDO:0011818, OMIM 607341, HP:0032051.
Tuberous sclerosis 1 (TSC1). Identifiers: Orphanet 805, MedGen C1854465, MONDO:0008612, OMIM 191100.
Hereditary cancer-predisposing syndrome. Also called: Hereditary neoplastic syndrome; Tumor predisposition; Hereditary Cancer Syndrome; Neoplastic Syndromes, Hereditary. Identifiers: Orphanet 140162, MedGen C0027672, MeSH D009386, MONDO:0015356.

Submissions (3):

Labcorp Genetics (formerly Invitae), Labcorp
Classification: Uncertain significance for Tuberous sclerosis 1. Last evaluated: 2025-05-27. Review status: criteria provided, single submitter. Criteria: Invitae Variant Classification Sherloc (09022015). Collection method: clinical testing. Allele origin: germline.
Comment: This sequence change replaces isoleucine, which is neutral and non-polar, with phenylalanine, which is neutral and non-polar, at codon 489 of the TSC1 protein (p.Ile489Phe). This variant is not present in population databases (gnomAD no frequency). This variant has not been reported in the literature in individuals affected with TSC1-related conditions. ClinVar contains an entry for this variant (Variation ID: 576077). Invitae Evidence Modeling of protein sequence and biophysical properties (such as structural, functional, and spatial information, amino acid conservation, physicochemical variation, residue mobility, and thermodynamic stability) indicates that this missense variant is not expected to disrupt TSC1 protein function with a negative predictive value of 95%. In summary, the available evidence is currently insufficient to determine the role of this variant in disease. Therefore, it has been classified as a Variant of Uncertain Significance.

Ambry Genetics
Classification: Uncertain significance for Hereditary cancer-predisposing syndrome. Last evaluated: 2024-12-17. Review status: criteria provided, single submitter. Criteria: Ambry Variant Classification Scheme 2023. Collection method: clinical testing. Allele origin: germline.
Comment: The p.I489F variant (also known as c.1465A>T), located in coding exon 13 of the TSC1 gene, results from an A to T substitution at nucleotide position 1465. The isoleucine at codon 489 is replaced by phenylalanine, an amino acid with highly similar properties. This variant was reported in individual(s) with features consistent with tuberous sclerosis complex (Ding Y et al. Seizure, 2021 Oct;91:273-277). This amino acid position is well conserved in available vertebrate species. In addition, the in silico prediction for this alteration is inconclusive. Based on the available evidence, the clinical significance of this variant remains unclear.

Baylor Genetics
Classification: Uncertain significance for Isolated focal cortical dysplasia type II. Last evaluated: 2023-08-18. Review status: criteria provided, single submitter. Criteria: ACMG Guidelines, 2015. Collection method: clinical testing. Allele origin: unknown.

Literature cited by the submitters: PubMed 34252879 (cited by Ambry Genetics).